The following is an entry in ClinVar:

NM_015459.5(ATL3):c.1364A>T (p.Tyr455Phe)

Genes: ATL3 (atlastin GTPase 3; minus strand), LNCROPM (lncRNA regulator of PLAAT3 mediated phospholipid metabolism; plus strand). Cytogenetic location: 11q13.1.
Variant type: single nucleotide variant.
Coding change: c.1364A>T on transcript NM_015459.5 (MANE Select); coding-DNA position 1364, A replaced by T.
Protein change: p.Tyr455Phe; replaces tyrosine 455 with phenylalanine.
Molecular consequence: missense variant.
Genome position (GRCh38, 1-based): chr11:63,631,215, T>A on the plus strand (A>T on the coding strand, the complement: ATL3 is on the minus strand). VCF-style: chr11-63631215-T-A. GRCh37 (hg19) VCF-style: chr11-63398687-T-A.
Other names: c.1310A>T, p.Tyr437Phe (NM_001290048.2); short protein forms Y437F, Y455F.
Identifiers: ClinVar variation 2963897 (VCV002963897.3), dbSNP rs2495621003, ClinGen allele CA381025098.

ClinVar aggregate classification (germline): Uncertain significance (1 of 4 stars; one submission).

Conditions:
Neuropathy, hereditary sensory, type 1F. Also called: HSN IF; Hereditary sensory neuropathy type IF. Identifiers: Orphanet 36386, MedGen C3810194, MONDO:0014286, OMIM 615632.

Allele frequency attached by ClinVar (database versions not stated): gnomAD exomes below 0.00001.
gnomAD v4.1: 1 of 1,614,200 alleles (0.000062%); highest among the groups gnomAD compares: Non-Finnish European, 0.000085%; no homozygotes.

Submission:

Labcorp Genetics (formerly Invitae), Labcorp
Classification: Uncertain significance for Neuropathy, hereditary sensory, type 1F. Last evaluated: 2024-02-01. Review status: criteria provided, single submitter. Criteria: Invitae Variant Classification Sherloc (09022015). Collection method: clinical testing. Allele origin: germline.
Comment: This sequence change replaces tyrosine, which is neutral and polar, with phenylalanine, which is neutral and non-polar, at codon 455 of the ATL3 protein (p.Tyr455Phe). This variant is not present in population databases (gnomAD no frequency). This variant has not been reported in the literature in individuals affected with ATL3-related conditions. Advanced modeling of protein sequence and biophysical properties (such as structural, functional, and spatial information, amino acid conservation, physicochemical variation, residue mobility, and thermodynamic stability) performed at Invitae indicates that this missense variant is not expected to disrupt ATL3 protein function with a negative predictive value of 80%. In summary, the available evidence is currently insufficient to determine the role of this variant in disease. Therefore, it has been classified as a Variant of Uncertain Significance.